The following is an entry in ClinVar:

NM_000138.5(FBN1):c.7453+2T>G

Gene: FBN1 (fibrillin 1; minus strand). Cytogenetic location: 15q21.1.
Variant type: single nucleotide variant.
Coding change: c.7453+2T>G on transcript NM_000138.5 (MANE Select); the canonical splice donor site of the intron after coding-DNA position 7453, T replaced by G.
Molecular consequence: splice donor variant.
Genome position (GRCh38, 1-based): chr15:48,425,367, A>C on the plus strand (T>G on the coding strand, the complement: FBN1 is on the minus strand). VCF-style: chr15-48425367-A-C. GRCh37 (hg19) VCF-style: chr15-48717564-A-C.
Other names: c.7453+2T>G (NM_001406716.1).
Identifiers: ClinVar variation 2952110 (VCV002952110.3), dbSNP rs2505406414, ClinGen allele CA392327447.
Genomic context (GRCh38, chr15:48,425,367, plus strand): 5'-GGCAAAGGAATGCAGCCATGTGTCAGGAGCTAGGTGAGGGGCAATGGTCAATTCTACTTT[A>C]CCTTTGCAGCTCCTTCCATCCTCTTGCAGAATGTAGCCTTTCGGGCATGAACACTGGTAA-3'

ClinVar aggregate classification (germline): Likely pathogenic (1 of 4 stars; one submission).

Conditions:
Marfan syndrome (MFS). Also called: MARFAN SYNDROME, TYPE I; Marfan syndrome type 1; Marfan's syndrome; Marfan syndrome, classic; FBN1-Related Marfan Syndrome. Identifiers: Orphanet 284963, Orphanet 558, MedGen C0024796, MONDO:0007947, OMIM 154700.
Familial thoracic aortic aneurysm and aortic dissection (TAAD). Also called: Thoracic aortic aneurysms and dissections. Identifiers: Orphanet 91387, MedGen C4707243, MONDO:0019625.

Submission:

Labcorp Genetics (formerly Invitae), Labcorp
Classification: Likely pathogenic for Marfan syndrome; Familial thoracic aortic aneurysm and aortic dissection. Last evaluated: 2024-06-24. Review status: criteria provided, single submitter. Criteria: Invitae Variant Classification Sherloc (09022015). Collection method: clinical testing. Allele origin: germline.
Comment: This sequence change affects a donor splice site in intron 60 of the FBN1 gene. It is expected to disrupt RNA splicing. Variants that disrupt the donor or acceptor splice site typically lead to a loss of protein function (PMID: 16199547), and loss-of-function variants in FBN1 are known to be pathogenic (PMID: 17657824, 19293843). This variant is not present in population databases (gnomAD no frequency). This variant has not been reported in the literature in individuals affected with FBN1-related conditions. Algorithms developed to predict the effect of sequence changes on RNA splicing suggest that this variant may disrupt the consensus splice site. In summary, the currently available evidence indicates that the variant is pathogenic, but additional data are needed to prove that conclusively. Therefore, this variant has been classified as Likely Pathogenic.

Literature cited by the submitters: PubMed 16199547; PubMed 17657824; PubMed 19293843.